The following is an entry in ClinVar:

NM_000284.4(PDHA1):c.728A>G (p.Tyr243Cys)

Gene: PDHA1 (pyruvate dehydrogenase E1 subunit alpha 1; plus strand). Cytogenetic location: Xp22.12.
Variant type: single nucleotide variant.
Coding change: c.728A>G on transcript NM_000284.4 (MANE Select); coding-DNA position 728, A replaced by G.
Protein change: p.Tyr243Cys; replaces tyrosine 243 with cysteine.
Molecular consequence: missense variant.
Genome position (GRCh38, 1-based): chrX:19,355,473, A>G. VCF-style: chrX-19355473-A-G. GRCh37 (hg19) VCF-style: chrX-19373591-A-G.
Other names: c.842A>G, p.Tyr281Cys (NM_001173454.2); c.749A>G, p.Tyr250Cys (NM_001173455.2); c.635A>G, p.Tyr212Cys (NM_001173456.2); c.728A>G (NM_000284.3); short protein forms Y212C, Y243C, Y250C, Y281C.
Identifiers: ClinVar variation 1252070 (VCV001252070.2), dbSNP rs2147180935, ClinGen allele CA412394631.

ClinVar aggregate classification (germline): Pathogenic. Review status: no assertion criteria provided (0 of 4 stars). 2 submissions from 2 submitters: Pathogenic (2). Last evaluated 2024-10-15.

Conditions:
Pyruvate dehydrogenase E1-alpha deficiency (PDHAD). Also called: ATAXIA, INTERMITTENT, WITH PYRUVATE DEHYDROGENASE DEFICIENCY; ATAXIA WITH LACTIC ACIDOSIS I; ATAXIA, INTERMITTENT, WITH ABNORMAL PYRUVATE METABOLISM; Ataxia, intermittent, with pyruvate dehydrogenase, or decarboxylase, deficiency. Identifiers: Orphanet 79243, MedGen C1839413, MONDO:0010717, OMIM 312170.

Submissions (2):

PDHA1 Study Group, University Children’s Hospital, Paracelsus Medical University
Classification: Pathogenic for Pyruvate dehydrogenase E1-alpha deficiency. Last evaluated: 2024-10-15. Review status: no assertion criteria provided. Collection method: research. Allele origin: de novo. Affected: yes. Observed: 2 variant alleles.
Comment: The NM_000284.3:c.728A>G (p.Tyr243Cys) substitution is a missense variant in PDHA1 gene. In total, 2 individuals were diagnosed with PDHA1-related Pyruvate dehydrogenase complex (PDHc) deficiency (MIM #312170). Among them, 1 case had confirmed de novo occurrence. The variant has been reported in 2 published cases (PMIDs: 21914562, 28918066, 23021068). Last literature search: July 12, 2024. This variant is absent or extremely rare in population-based cohorts in the Genome Aggregation Database (gnomAD). Individuals harboring this variant presented with clinical features compatible with PDHA1-related PDHc deficiency. In summary, this variant meets criteria to be classified as pathogenic (P) for PDHA1-related PDHc deficiency based on the ACMG/AMP criteria applied: PS3, PM1, PM2, PM7, PP3 (last assessment October 15, 2024).

Genomic Medicine Center of Excellence, King Faisal Specialist Hospital and Research Centre
Classification: Pathogenic for Pyruvate dehydrogenase E1-alpha deficiency. Last evaluated: 2021-04-29. Review status: no assertion criteria provided. Collection method: research. Allele origin: germline. Affected: yes.

Literature cited by the submitters: PubMed 21914562 (cited by PDHA1 Study Group, University Children’s Hospital, Paracelsus Medical University); PubMed 28918066 (cited by PDHA1 Study Group, University Children’s Hospital, Paracelsus Medical University); PubMed 23021068 (cited by PDHA1 Study Group, University Children’s Hospital, Paracelsus Medical University); DOI 10.1093/brain/awaf430 (cited by PDHA1 Study Group, University Children’s Hospital, Paracelsus Medical University).